The following is an entry in ClinVar:

ClinVar aggregate classification (germline): Likely benign (1 of 4 stars; one submission).

Conditions:
ISL1-related disorder. Also called: ISL1-related condition.

gnomAD v4.1: 7 of 1,611,680 alleles (0.00043%); highest among the groups gnomAD compares: African/African-American, 0.004%; no homozygotes.

Submission:

PreventionGenetics, part of Exact Sciences
Classification: Likely benign for ISL1-related condition. Last evaluated: 2024-10-22. Review status: criteria provided, single submitter. Criteria: ACMG Guidelines, 2015. Collection method: clinical testing. Allele origin: germline.
Comment: This variant is classified as likely benign based on ACMG/AMP sequence variant interpretation guidelines (Richards et al. 2015 PMID: 25741868, with internal and published modifications).

NM_002202.3(ISL1):c.1017T>C (p.Pro339=)

Gene: ISL1 (ISL LIM homeobox 1; plus strand). Cytogenetic location: 5q11.1.
Variant type: single nucleotide variant.
Coding change: c.1017T>C on transcript NM_002202.3 (MANE Select); coding-DNA position 1017, T replaced by C.
Protein change: p.Pro339=; no amino-acid change (proline 339 retained).
Molecular consequence: synonymous variant.
Genome position (GRCh38, 1-based): chr5:51,393,577, T>C. VCF-style: chr5-51393577-T-C. GRCh37 (hg19) VCF-style: chr5-50689411-T-C.
Identifiers: ClinVar variation 4985919 (VCV004985919.1).